The following is an entry in ClinVar:

NM_016616.5(NME8):c.1563G>A (p.Met521Ile)

Gene: NME8 (NME/NM23 family member 8; plus strand). Cytogenetic location: 7p14.1.
Variant type: single nucleotide variant.
Coding change: c.1563G>A on transcript NM_016616.5 (MANE Select); coding-DNA position 1563, G replaced by A.
Protein change: p.Met521Ile; replaces methionine 521 with isoleucine.
Molecular consequence: missense variant.
Genome position (GRCh38, 1-based): chr7:37,896,888, G>A. VCF-style: chr7-37896888-G-A. GRCh37 (hg19) VCF-style: chr7-37936490-G-A.
Other names: short protein forms M521I.
Identifiers: ClinVar variation 943861 (VCV000943861.9), dbSNP rs957883475, ClinGen allele CA367217339.

ClinVar aggregate classification (germline): Uncertain significance (1 of 4 stars; one submission).

Conditions:
Primary ciliary dyskinesia 6. Also called: Primary Ciliary Dyskinesia 6: TXNDC3-Related Primary Ciliary Dyskinesia. Identifiers: Orphanet 244, MedGen C1970506, MONDO:0012571, OMIM 610852.

Submission:

Labcorp Genetics (formerly Invitae), Labcorp
Classification: Uncertain significance for Primary ciliary dyskinesia 6. Last evaluated: 2019-09-13. Review status: criteria provided, single submitter. Criteria: Invitae Variant Classification Sherloc (09022015). Collection method: clinical testing. Allele origin: germline.
Comment: In summary, the available evidence is currently insufficient to determine the role of this variant in disease. Therefore, it has been classified as a Variant of Uncertain Significance. Algorithms developed to predict the effect of missense changes on protein structure and function are either unavailable or do not agree on the potential impact of this missense change (SIFT: "Deleterious"; PolyPhen-2: "Probably Damaging"; Align-GVGD: "Class C0"). This variant has not been reported in the literature in individuals with NME8-related conditions. This variant is not present in population databases (ExAC no frequency). This sequence change replaces methionine with isoleucine at codon 521 of the NME8 protein (p.Met521Ile). The methionine residue is moderately conserved and there is a small physicochemical difference between methionine and isoleucine.